The following is an entry in ClinVar:

NM_001457.4(FLNB):c.3206G>A (p.Gly1069Asp)

Gene: FLNB (filamin B; plus strand). Cytogenetic location: 3p14.3.
Variant type: single nucleotide variant.
Coding change: c.3206G>A on transcript NM_001457.4 (MANE Select); coding-DNA position 3206, G replaced by A.
Protein change: p.Gly1069Asp; replaces glycine 1069 with aspartic acid.
Molecular consequence: missense variant.
Genome position (GRCh38, 1-based): chr3:58,123,172, G>A. VCF-style: chr3-58123172-G-A. GRCh37 (hg19) VCF-style: chr3-58108899-G-A.
Other names: c.3206G>A, p.Gly1069Asp (NM_001164317.2, NM_001164318.2, NM_001164319.2); short protein forms G1069D.
Identifiers: ClinVar variation 4540054 (VCV004540054.1).

ClinVar aggregate classification (germline): Uncertain significance (1 of 4 stars; one submission).

Submission:

GeneDx
Classification: Uncertain significance. Last evaluated: 2025-06-23. Review status: criteria provided, single submitter. Criteria: GeneDx Variant Classification Process June 2021. Collection method: clinical testing. Allele origin: germline. Affected: yes.
Comment: Not observed at significant frequency in large population cohorts (gnomAD); In silico analysis supports that this missense variant has a deleterious effect on protein structure/function; Has not been previously published as pathogenic or benign to our knowledge